The following is an entry in ClinVar:

ClinVar aggregate classification (germline): Uncertain significance (1 of 4 stars; one submission).

Conditions:
Hereditary cancer-predisposing syndrome. Also called: Neoplastic Syndromes, Hereditary; Tumor predisposition; Hereditary neoplastic syndrome; Hereditary Cancer Syndrome. Identifiers: Orphanet 140162, MedGen C0027672, MeSH D009386, MONDO:0015356.

gnomAD v4.1: 1 of 1,593,618 alleles (0.000063%); highest among the groups gnomAD compares: Non-Finnish European, 0.000085%; no homozygotes.

Submission:

Ambry Genetics
Classification: Uncertain significance for Hereditary cancer-predisposing syndrome. Last evaluated: 2026-07-07. Review status: criteria provided, single submitter. Criteria: Ambry Variant Classification Scheme 2023. Collection method: clinical testing. Allele origin: germline.
Comment: The p.G973S variant (also known as c.2917G>A), located in coding exon 4 of the MSH6 gene, results from a G to A substitution at nucleotide position 2917. The glycine at codon 973 is replaced by serine, an amino acid with similar properties. This amino acid position is conserved. In addition, this alteration is predicted to be deleterious by in silico analysis. Based on the available evidence, the clinical significance of this variant remains unclear.

NM_000179.3(MSH6):c.2917G>A (p.Gly973Ser)

Gene: MSH6 (mutS homolog 6; plus strand). Cytogenetic location: 2p16.3.
Variant type: single nucleotide variant.
Coding change: c.2917G>A on transcript NM_000179.3 (MANE Select); coding-DNA position 2917, G replaced by A.
Protein change: p.Gly973Ser; replaces glycine 973 with serine.
Molecular consequence: missense variant. On other transcripts: non-coding transcript variant (5), intron variant (2).
Genome position (GRCh38, 1-based): chr2:47,800,900, G>A. VCF-style: chr2-47800900-G-A. GRCh37 (hg19) VCF-style: chr2-48028039-G-A.
Other names: c.2620G>A, p.Gly874Ser (NM_001406819.1, NM_001406820.1, NM_001406821.1 and 10 more transcripts); c.2011G>A, p.Gly671Ser (NM_001406823.1, NM_001406811.1, NM_001406812.1 and 6 more transcripts); c.2749G>A, p.Gly917Ser (NM_001406826.1); c.2917G>A, p.Gly973Ser (NM_001406808.1, NM_001406809.1, NM_001406796.1 and 2 more transcripts); c.2923G>A, p.Gly975Ser (NM_001406813.1); c.2527G>A, p.Gly843Ser (NM_001281492.2); c.3013G>A, p.Gly1005Ser (NM_001406795.1, NM_001406802.1); c.2392G>A, p.Gly798Ser (NM_001406799.1, NM_001406806.1, NM_001406807.1); and 4 more; short protein forms G288S, G917S, G671S, G947S, G1005S, G798S, G843S, G874S.
Identifiers: ClinVar variation 5024910 (VCV005024910.1).